The following is an entry in ClinVar:

ClinVar aggregate classification (germline): Conflicting classifications of pathogenicity. Review status: criteria provided, conflicting classifications (1 of 4 stars). 3 submissions from 3 submitters: Uncertain significance (1); Likely benign (2). Last evaluated 2025-11-24.

Allele frequency attached by ClinVar (database versions not stated): ESP Exome Variant Server 0.00008; gnomAD exomes 0.00026; ExAC 0.00031.
gnomAD v4.1: 330 of 1,613,584 alleles (0.02%); highest among the groups gnomAD compares: Non-Finnish European, 0.024%; no homozygotes.

Submissions (3):

Labcorp Genetics (formerly Invitae), Labcorp
Classification: Likely benign. Last evaluated: 2025-11-24. Review status: criteria provided, single submitter. Criteria: Invitae Variant Classification Sherloc (09022015). Collection method: clinical testing. Allele origin: germline.

Blueprint Genetics
Classification: Likely benign. Last evaluated: 2024-10-18. Review status: criteria provided, single submitter. Criteria: ACMG Guidelines, 2015. Collection method: clinical testing. Allele origin: germline.

CeGaT Center for Human Genetics Tuebingen
Classification: Uncertain significance. Last evaluated: 2024-04-01. Review status: criteria provided, single submitter. Criteria: CeGaT Center For Human Genetics Tuebingen Variant Classification Criteria Version 2. Collection method: clinical testing. Allele origin: germline. Affected: yes. Observed: 1 variant allele.
Comment: DOCK6: PM2, BP4

NM_020812.4(DOCK6):c.3895-7C>T

Genes: DOCK6 (dedicator of cytokinesis 6; minus strand), DOCK6-AS1 (DOCK6 antisense RNA 1; plus strand). Cytogenetic location: 19p13.2.
Variant type: single nucleotide variant.
Coding change: c.3895-7C>T on transcript NM_020812.4 (MANE Select); 7 bases into the intron before coding-DNA position 3895, C replaced by T.
Molecular consequence: intron variant.
Genome position (GRCh38, 1-based): chr19:11,215,934, G>A on the plus strand (C>T on the coding strand, the complement: DOCK6 is on the minus strand). VCF-style: chr19-11215934-G-A. GRCh37 (hg19) VCF-style: chr19-11326610-G-A.
Other names: c.4000-7C>T (NM_001367830.1).
Identifiers: ClinVar variation 1582487 (VCV001582487.29), dbSNP rs368322024, ClinGen allele CA9207068.